The following is an entry in ClinVar:

NM_004260.4(RECQL4):c.1715C>T (p.Ala572Val)

Gene: RECQL4 (RecQ like helicase 4; minus strand). Cytogenetic location: 8q24.3.
Variant type: single nucleotide variant.
Coding change: c.1715C>T on transcript NM_004260.4 (MANE Select); coding-DNA position 1715, C replaced by T.
Protein change: p.Ala572Val; replaces alanine 572 with valine.
Molecular consequence: missense variant.
Genome position (GRCh38, 1-based): chr8:144,514,352, G>A on the plus strand (C>T on the coding strand, the complement: RECQL4 is on the minus strand). VCF-style: chr8-144514352-G-A. GRCh37 (hg19) VCF-style: chr8-145739736-G-A.
Other names: c.644C>T, p.Ala215Val (NM_001413038.1, NM_001413040.1, NM_001413021.1 and 6 more transcripts); c.1685C>T, p.Ala562Val (NM_001413039.1); c.1619C>T, p.Ala540Val (NM_001413017.1, NM_001413020.1); c.1715C>T, p.Ala572Val (NM_001413018.1, NM_001413019.1, NM_001413036.1); c.1586C>T, p.Ala529Val (NM_001413025.1); c.578C>T, p.Ala193Val (NM_001413027.1, NM_001413041.1, NM_001413030.1 and 1 more transcripts); c.614C>T, p.Ala205Val (NM_001413042.1); c.248C>T, p.Ala83Val (NM_001413043.1); and 1 more; short protein forms A562V, A455V, A529V, A193V, A572V, A83V, A205V, A215V.
Identifiers: ClinVar variation 2068846 (VCV002068846.4), dbSNP rs2130696954, ClinGen allele CA372681280.

ClinVar aggregate classification (germline): Uncertain significance (1 of 4 stars; one submission).

Conditions:
Baller-Gerold syndrome (BGS). Also called: CRANIOSYNOSTOSIS WITH RADIAL DEFECTS. Identifiers: Orphanet 1225, MedGen C0265308, MONDO:0009039, OMIM 218600.

Submission:

Labcorp Genetics (formerly Invitae), Labcorp
Classification: Uncertain significance for Baller-Gerold syndrome. Last evaluated: 2022-07-22. Review status: criteria provided, single submitter. Criteria: Invitae Variant Classification Sherloc (09022015). Collection method: clinical testing. Allele origin: germline.
Comment: In summary, the available evidence is currently insufficient to determine the role of this variant in disease. Therefore, it has been classified as a Variant of Uncertain Significance. Experimental studies and prediction algorithms are not available or were not evaluated, and the functional significance of this variant is currently unknown. This variant has not been reported in the literature in individuals affected with RECQL4-related conditions. This variant is not present in population databases (gnomAD no frequency). This sequence change replaces alanine, which is neutral and non-polar, with valine, which is neutral and non-polar, at codon 572 of the RECQL4 protein (p.Ala572Val).